The following is an entry in ClinVar:

NM_001267550.2(TTN):c.47187_47188del (p.Phe15730fs)

Genes: TTN (titin; minus strand), TTN-AS1 (TTN antisense RNA 1; plus strand). Cytogenetic location: 2q31.2.
Variant type: Deletion.
Coding change: c.47187_47188del on transcript NM_001267550.2 (MANE Select); coding-DNA positions 47187 to 47188, 2 bases deleted (AT; older notation c.47187_47188delAT).
Protein change: p.Phe15730fs; shifts the reading frame from phenylalanine 15730.
Molecular consequence: frameshift variant.
Genome position (GRCh38, 1-based): chr2:178,618,270-178,618,271, AT deleted on the plus strand (AT on the coding strand, the reverse complement: TTN is on the minus strand); deleting any 2 consecutive bases within chr2:178,618,270-178,618,272 gives the same sequence; the c. name uses the placement nearest the transcript's 3' end. VCF-style (leftmost placement, unchanged base first): chr2-178618269-AAT-A. GRCh37 (hg19) VCF-style: chr2-179482996-AAT-A.
Other names: c.19992_19993delAT (NM_003319.4); c.42264_42265del, p.Phe14089fs (NM_001256850.1); c.19992_19993del, p.Phe6665fs (NM_003319.4); c.39483_39484del, p.Phe13162fs (NM_133378.4); c.20367_20368del, p.Phe6790fs (NM_133432.3); c.20568_20569del, p.Phe6857fs (NM_133437.4); short protein forms F14089fs, F13162fs, F15730fs, F6790fs, F6665fs, F6857fs.
Identifiers: ClinVar variation 3330080 (VCV003330080.3).
Genomic context (GRCh38, chr2:178,618,269, plus strand): 5'-ACAGGATTGTCAGTTTCTACTGGCTCACCAGTGCCAACTCTGTTTCTTGCACTCACACGG[AAT>A]AGGTACTCAACTCCTCCTTTCTGTAGACCAGTGACAGTAAACTCACAACTCTCTGCACGG-3'

ClinVar aggregate classification (germline): Likely pathogenic. Review status: criteria provided, multiple submitters, no conflicts (2 of 4 stars). 2 submissions from 2 submitters: Likely pathogenic (2). Last evaluated 2024-04-27.

Conditions:
Dilated cardiomyopathy 1G (CMD1G). Identifiers: Orphanet 154, MedGen C1858763, MONDO:0011400, OMIM 604145.
Autosomal recessive limb-girdle muscular dystrophy type 2J (LGMDR10). Also called: Limb-girdle muscular dystrophy, type 2J; MUSCULAR DYSTROPHY, LIMB-GIRDLE, AUTOSOMAL RECESSIVE 10. Identifiers: Orphanet 140922, MedGen C1837342, MONDO:0012127, OMIM 608807.
Cardiovascular phenotype. Identifiers: MedGen CN230736.

Submissions (2):

Ambry Genetics
Classification: Likely pathogenic for Cardiovascular phenotype. Last evaluated: 2024-04-27. Review status: criteria provided, single submitter. Criteria: Ambry Variant Classification Scheme 2023. Collection method: clinical testing. Allele origin: germline.
Comment: The c.19992_19993delAT variant, located in coding exon 79 of the TTN gene, results from a deletion of two nucleotides at nucleotide positions 19992 to 19993, causing a translational frameshift with a predicted alternate stop codon (p.F6665Pfs*12). This exon is located in the A-band region of the N2-B isoform of the titin protein and is constitutively expressed in TTN transcripts (percent spliced in or PSI 100%). This variant is considered to be rare based on population cohorts in the Genome Aggregation Database (gnomAD).This alteration is expected to result in loss of function by premature protein truncation or nonsense-mediated mRNA decay. While truncating variants in TTN are present in 1-3% of the general population, truncating variants in the A-band are the most common cause of dilated cardiomyopathy (DCM) (Herman DS et al. N. Engl. J. Med., 2012 Feb;366:619-28; Roberts AM et al. Sci Transl Med, 2015 Jan;7:270ra6). TTN truncating variants encoded in constitutive exons (PSI >90%) have been found to be significantly associated with DCM regardless of their position in titin (Schafer S et al. Nat. Genet., 2017 01;49:46-53). Based on the majority of available evidence to date, this variant is likely to be pathogenic.

Labcorp Genetics (formerly Invitae), Labcorp
Classification: Likely pathogenic for Dilated cardiomyopathy 1G; Autosomal recessive limb-girdle muscular dystrophy type 2J. Last evaluated: 2024-03-28. Review status: criteria provided, single submitter. Criteria: Invitae Variant Classification Sherloc (09022015). Collection method: clinical testing. Allele origin: germline.
Comment: This sequence change creates a premature translational stop signal (p.Phe15730Profs*12) in the TTN gene. While this is not anticipated to result in nonsense mediated decay, it is expected to create a truncated TTN protein. This variant is not present in population databases (gnomAD no frequency). This variant has not been reported in the literature in individuals affected with TTN-related conditions. This variant is located in the A band of TTN (PMID: 25589632). Truncating variants in this region are significantly overrepresented in patients affected with dilated cardiomyopathy (PMID: 25589632). Truncating variants in this region have also been reported in individuals affected with autosomal recessive centronuclear myopathy (PMID: 23975875). In summary, the currently available evidence indicates that the variant is pathogenic, but additional data are needed to prove that conclusively. Therefore, this variant has been classified as Likely Pathogenic.

Literature cited by the submitters: PubMed 25589632 (cited by Labcorp Genetics (formerly Invitae), Labcorp); PubMed 23975875 (cited by Labcorp Genetics (formerly Invitae), Labcorp).